The following is an entry in ClinVar:

ClinVar aggregate classification (germline): Conflicting classifications of pathogenicity. Review status: criteria provided, conflicting classifications (1 of 4 stars). 2 submissions from 2 submitters: Uncertain significance (1); Likely benign (1). Last evaluated 2026-02-27.

Conditions:
EGFR-related lung cancer (EGFR). Identifiers: MedGen CN130014.
Hereditary cancer-predisposing syndrome. Also called: Hereditary Cancer Syndrome; Neoplastic Syndromes, Hereditary; Tumor predisposition; Hereditary neoplastic syndrome. Identifiers: Orphanet 140162, MedGen C0027672, MeSH D009386, MONDO:0015356.

Allele frequency attached by ClinVar (database versions not stated): gnomAD 0.00001; TOPMed 0.00001.
gnomAD v4.1: 1 of 1,614,088 alleles (0.000062%); highest among the groups gnomAD compares: African/African-American, 0.0013%; no homozygotes.

Submissions (2):

Ambry Genetics
Classification: Uncertain significance for Hereditary cancer-predisposing syndrome. Last evaluated: 2026-02-27. Review status: criteria provided, single submitter. Criteria: Ambry Variant Classification Scheme 2023. Collection method: clinical testing. Allele origin: germline.
Comment: The c.1650G>A variant (also known as p.V550V), located in coding exon 14 of the EGFR gene, results from a G to A substitution at nucleotide position 1650. This nucleotide substitution does not change the amino acid at codon 550. This nucleotide position is not well conserved in available vertebrate species. In silico splice site analysis predicts that this alteration may weaken the native splice acceptor site. Based on the available evidence, the clinical significance of this variant remains unclear.

Labcorp Genetics (formerly Invitae), Labcorp
Classification: Likely benign for EGFR-related lung cancer. Last evaluated: 2025-08-13. Review status: criteria provided, single submitter. Criteria: Invitae Variant Classification Sherloc (09022015). Collection method: clinical testing. Allele origin: germline.

NM_005228.5(EGFR):c.1650G>A (p.Val550=)

Gene: EGFR (epidermal growth factor receptor; plus strand). Cytogenetic location: 7p11.2.
Variant type: single nucleotide variant.
Coding change: c.1650G>A on transcript NM_005228.5 (MANE Select); coding-DNA position 1650, G replaced by A.
Protein change: p.Val550=; no amino-acid change (valine 550 retained).
Molecular consequence: synonymous variant.
Genome position (GRCh38, 1-based): chr7:55,163,751, G>A. VCF-style: chr7-55163751-G-A. GRCh37 (hg19) VCF-style: chr7-55231444-G-A.
Other names: c.1515G>A, p.Val505= (NM_001346897.2, NM_001346899.2); c.1650G>A, p.Val550= (NM_001346898.2, NM_201282.2, NM_201284.2); c.1491G>A, p.Val497= (NM_001346900.2); c.849G>A, p.Val283= (NM_001346941.2); c.1650G>A (NM_005228.3).
Identifiers: ClinVar variation 1126767 (VCV001126767.11), dbSNP rs1261257677, ClinGen allele CA454971286.